The following is an entry in ClinVar:

ClinVar aggregate classification (germline): Uncertain significance. Review status: criteria provided, multiple submitters, no conflicts (2 of 4 stars). 2 submissions from 2 submitters: Uncertain significance (2). Last evaluated 2023-02-24.

Submissions (2):

GeneDx
Classification: Uncertain significance. Last evaluated: 2023-02-24. Review status: criteria provided, single submitter. Criteria: GeneDx Variant Classification Process June 2021. Collection method: clinical testing. Allele origin: germline. Affected: yes.
Comment: Not observed at significant frequency in large population cohorts (gnomAD); In silico analysis supports that this missense variant has a deleterious effect on protein structure/function; Has not been previously published as pathogenic or benign to our knowledge

Labcorp Genetics (formerly Invitae), Labcorp
Classification: Uncertain significance. Last evaluated: 2022-07-30. Review status: criteria provided, single submitter. Criteria: Invitae Variant Classification Sherloc (09022015). Collection method: clinical testing. Allele origin: germline.
Comment: This sequence change replaces arginine, which is basic and polar, with tryptophan, which is neutral and slightly polar, at codon 151 of the FDX2 protein (p.Arg151Trp). This variant is present in population databases (rs750821339, gnomAD 0.003%). This variant has not been reported in the literature in individuals affected with FDX2-related conditions. Algorithms developed to predict the effect of missense changes on protein structure and function are either unavailable or do not agree on the potential impact of this missense change (SIFT: "Deleterious"; PolyPhen-2: "Not Available"; Align-GVGD: "Class C65"). In summary, the available evidence is currently insufficient to determine the role of this variant in disease. Therefore, it has been classified as a Variant of Uncertain Significance.

NM_001397406.1(FDX2):c.442C>T (p.Arg148Trp)

Genes: FDX2 (ferredoxin 2; minus strand), FDX2-ZGLP1 (FDX2-ZGLP1 readthrough; minus strand). Cytogenetic location: 19p13.2.
Variant type: single nucleotide variant.
Coding change: c.442C>T on transcript NM_001397406.1 (MANE Select); coding-DNA position 442, C replaced by T.
Protein change: p.Arg148Trp; replaces arginine 148 with tryptophan.
Molecular consequence: missense variant. On other transcripts: non-coding transcript variant (2).
Genome position (GRCh38, 1-based): chr19:10,310,596, G>A on the plus strand (C>T on the coding strand, the complement: FDX2 is on the minus strand). VCF-style: chr19-10310596-G-A. GRCh37 (hg19) VCF-style: chr19-10421272-G-A.
Other names: c.451C>T (NM_001031734.3); short protein forms R148W.
Identifiers: ClinVar variation 1904965 (VCV001904965.4), dbSNP rs750821339, ClinGen allele CA9191192.